The following is an entry in ClinVar:

ClinVar aggregate classification (germline): Uncertain significance (1 of 4 stars; one submission).

Conditions:
Neurofibromatosis, type 1 (NF1). Also called: VON RECKLINGHAUSEN DISEASE; NEUROFIBROMATOSIS, TYPE I, SOMATIC; Peripheral type neurofibromatosis; Neurofibromatosis, type I. Identifiers: Orphanet 636, MedGen C0027831, MONDO:0018975, OMIM 162200. Disease mechanism: loss of function.

Submission:

Labcorp Genetics (formerly Invitae), Labcorp
Classification: Uncertain significance for Neurofibromatosis, type 1. Last evaluated: 2018-12-04. Review status: criteria provided, single submitter. Criteria: Invitae Variant Classification Sherloc (09022015). Collection method: clinical testing. Allele origin: germline.
Comment: Algorithms developed to predict the effect of missense changes on protein structure and function are either unavailable or do not agree on the potential impact of this missense change (SIFT: "Tolerated"; PolyPhen-2: "Probably Damaging"; Align-GVGD: "Class C0"). In summary, the available evidence is currently insufficient to determine the role of this variant in disease. Therefore, it has been classified as a Variant of Uncertain Significance. This variant has not been reported in the literature in individuals with NF1-related conditions. This sequence change replaces glutamic acid with alanine at codon 2427 of the NF1 protein (p.Glu2427Ala). The glutamic acid residue is moderately conserved and there is a moderate physicochemical difference between glutamic acid and alanine. This variant is not present in population databases (ExAC no frequency).

NM_001042492.3(NF1):c.7343A>C (p.Glu2448Ala)

Gene: NF1 (neurofibromin 1; plus strand). Cytogenetic location: 17q11.2.
Variant type: single nucleotide variant.
Coding change: c.7343A>C on transcript NM_001042492.3 (MANE Select); coding-DNA position 7343, A replaced by C.
Protein change: p.Glu2448Ala; replaces glutamic acid 2448 with alanine.
Molecular consequence: missense variant.
Genome position (GRCh38, 1-based): chr17:31,350,204, A>C. VCF-style: chr17-31350204-A-C. GRCh37 (hg19) VCF-style: chr17-29677222-A-C.
Other names: c.7280A>C, p.Glu2427Ala (NM_000267.4); short protein forms E2448A, E2427A.
Identifiers: ClinVar variation 656596 (VCV000656596.5), dbSNP rs1597859599, ClinGen allele CA399016987.